The following is an entry in ClinVar:

ClinVar aggregate classification (germline): Pathogenic (1 of 4 stars; one submission).

Conditions:
Rubinstein-Taybi syndrome due to CREBBP mutations (RSTS1). Also called: Rubinstein-Taybi syndrome 1; CREBBP-Related Rubinstein-Taybi Syndrome; RUBINSTEIN-TAYBI SYNDROME 1, INCOMPLETE; BROAD THUMBS AND GREAT TOES, CHARACTERISTIC FACIES, AND IMPAIRED INTELLECTUAL DEVELOPMENT; BROAD THUMB-HALLUX SYNDROME; RUBINSTEIN SYNDROME. Identifiers: Orphanet 353277, Orphanet 783, MedGen C4551859, MONDO:0008393, OMIM 180849.

Submission:

Labcorp Genetics (formerly Invitae), Labcorp
Classification: Pathogenic for Rubinstein-Taybi syndrome. Last evaluated: 2017-06-19. Review status: criteria provided, single submitter. Criteria: Invitae Variant Classification Sherloc (09022015). Collection method: clinical testing. Allele origin: germline.
Comment: This sequence change creates a premature translational stop signal (p.Gln170*) in the CREBBP gene. It is expected to result in an absent or disrupted protein product. This variant is not present in population databases (ExAC no frequency). This variant has not been reported in the literature in individuals with a CREBBP-related disease. Loss-of-function variants in CREBBP are known to be pathogenic (PMID: 17052327, 18792986). For these reasons, this variant has been classified as Pathogenic.

NM_004380.3(CREBBP):c.508C>T (p.Gln170Ter)

Gene: CREBBP (CREB binding lysine acetyltransferase; minus strand). Cytogenetic location: 16p13.3.
Variant type: single nucleotide variant.
Coding change: c.508C>T on transcript NM_004380.3 (MANE Select); coding-DNA position 508, C replaced by T.
Protein change: p.Gln170Ter; replaces glutamine 170 with a stop codon.
Molecular consequence: nonsense.
Genome position (GRCh38, 1-based): chr16:3,850,587, G>A on the plus strand (C>T on the coding strand, the complement: CREBBP is on the minus strand). VCF-style: chr16-3850587-G-A. GRCh37 (hg19) VCF-style: chr16-3900588-G-A.
Other names: c.508C>T, p.Gln170Ter (NM_001079846.1); short protein forms Q170*.
Identifiers: ClinVar variation 458201 (VCV000458201.1), dbSNP rs1555496560, ClinGen allele CA394560816.